The following is an entry in ClinVar:

NM_014251.3(SLC25A13):c.1411C>G (p.Leu471Val)

Gene: SLC25A13 (solute carrier family 25 member 13; minus strand). Cytogenetic location: 7q21.3.
Variant type: single nucleotide variant.
Coding change: c.1411C>G on transcript NM_014251.3 (MANE Select); coding-DNA position 1411, C replaced by G.
Protein change: p.Leu471Val; replaces leucine 471 with valine.
Molecular consequence: missense variant. On other transcripts: non-coding transcript variant (1).
Genome position (GRCh38, 1-based): chr7:96,146,597, G>C on the plus strand (C>G on the coding strand, the complement: SLC25A13 is on the minus strand). VCF-style: chr7-96146597-G-C. GRCh37 (hg19) VCF-style: chr7-95775909-G-C.
Other names: c.1414C>G, p.Leu472Val (NM_001160210.2); short protein forms L472V, L471V.
Identifiers: ClinVar variation 2178069 (VCV002178069.1), dbSNP rs1379185703, ClinGen allele CA368255987.

ClinVar aggregate classification (germline): Uncertain significance (1 of 4 stars; one submission).

Conditions:
Citrin deficiency. Identifiers: Orphanet 247582, MedGen C1997910, MONDO:0016602.

gnomAD v4.1: 2 of 1,613,502 alleles (0.00012%); highest among the groups gnomAD compares: African/African-American, 0.0027%; no homozygotes.

Submission:

Labcorp Genetics (formerly Invitae), Labcorp
Classification: Uncertain significance for Citrin deficiency. Last evaluated: 2022-06-13. Review status: criteria provided, single submitter. Criteria: Invitae Variant Classification Sherloc (09022015). Collection method: clinical testing. Allele origin: germline.
Comment: This sequence change replaces leucine, which is neutral and non-polar, with valine, which is neutral and non-polar, at codon 471 of the SLC25A13 protein (p.Leu471Val). This variant is not present in population databases (gnomAD no frequency). This variant has not been reported in the literature in individuals affected with SLC25A13-related conditions. Advanced modeling of protein sequence and biophysical properties (such as structural, functional, and spatial information, amino acid conservation, physicochemical variation, residue mobility, and thermodynamic stability) performed at Invitae indicates that this missense variant is not expected to disrupt SLC25A13 protein function. In summary, the available evidence is currently insufficient to determine the role of this variant in disease. Therefore, it has been classified as a Variant of Uncertain Significance.